The following is an entry in ClinVar:

ClinVar aggregate classification (germline): Uncertain significance (1 of 4 stars; one submission).

Conditions:
Hereditary cancer-predisposing syndrome. Also called: Neoplastic Syndromes, Hereditary; Tumor predisposition; Hereditary Cancer Syndrome; Hereditary neoplastic syndrome. Identifiers: Orphanet 140162, MedGen C0027672, MeSH D009386, MONDO:0015356.

gnomAD v4.1: 2 of 1,544,260 alleles (0.00013%); highest among the groups gnomAD compares: Non-Finnish European, 0.00017%; no homozygotes.

Submission:

Ambry Genetics
Classification: Uncertain significance for Hereditary cancer-predisposing syndrome. Last evaluated: 2026-05-05. Review status: criteria provided, single submitter. Criteria: Ambry Variant Classification Scheme 2023. Collection method: clinical testing. Allele origin: germline.
Comment: The c.-4G>C variant is located in the 5' untranslated region (5&rsquo; UTR) of the BARD1 gene. This variant results from a G to C substitution 4 bases upstream from the first translated codon. This nucleotide position is highly conserved in available vertebrate species. Based on the available evidence, the clinical significance of this variant remains unclear.

NM_000465.4(BARD1):c.-4G>C

Gene: BARD1 (BRCA1 associated RING domain 1; minus strand). Cytogenetic location: 2q35.
Variant type: single nucleotide variant.
Coding change: c.-4G>C on transcript NM_000465.4 (MANE Select); 4 bases upstream of the start codon, G replaced by C.
Molecular consequence: 5 prime UTR variant. On other transcripts: non-coding transcript variant (3).
Genome position (GRCh38, 1-based): chr2:214,809,573, C>G on the plus strand (G>C on the coding strand, the complement: BARD1 is on the minus strand). VCF-style: chr2-214809573-C-G. GRCh37 (hg19) VCF-style: chr2-215674297-C-G.
Other names: c.-4G>C (NM_001282543.2, NM_001282545.2, NM_001282548.2 and 1 more transcripts).
Identifiers: ClinVar variation 4867379 (VCV004867379.1).
Genomic context (GRCh38, chr2:214,809,573, plus strand): 5'-CTCGTTCCCGGAGCGGATCCTCGGCTGCCGGTTCCTCGGCTGCCGATTATCCGGCATCGT[C>G]CCGCCTTCGGATGAAAGGCTCCTCGCAGAGCGGGAAGCAAGGAAGCCTCGGGAAACCACA-3'